The following is an entry in ClinVar:

ClinVar aggregate classification (germline): Uncertain significance (1 of 4 stars; one submission).

Conditions:
Loeys-Dietz syndrome 4 (LDS4). Also called: ANEURYSM, AORTIC AND CEREBRAL, WITH ARTERIAL TORTUOSITY AND SKELETAL MANIFESTATIONS; TGFB2-Related Loeys-Dietz Syndrome. Identifiers: MedGen C3553762, MONDO:0013897, OMIM 614816.

Submission:

Labcorp Genetics (formerly Invitae), Labcorp
Classification: Uncertain significance for Loeys-Dietz syndrome 4. Last evaluated: 2025-05-22. Review status: criteria provided, single submitter. Criteria: Invitae Variant Classification Sherloc (09022015). Collection method: clinical testing. Allele origin: germline.
Comment: This sequence change replaces glutamine, which is neutral and polar, with histidine, which is basic and polar, at codon 264 of the TGFB2 protein (p.Gln264His). This variant is not present in population databases (gnomAD no frequency). This variant has not been reported in the literature in individuals affected with TGFB2-related conditions. ClinVar contains an entry for this variant (Variation ID: 2100824). Invitae Evidence Modeling of protein sequence and biophysical properties (such as structural, functional, and spatial information, amino acid conservation, physicochemical variation, residue mobility, and thermodynamic stability) indicates that this missense variant is not expected to disrupt TGFB2 protein function with a negative predictive value of 95%. Algorithms developed to predict the effect of sequence changes on RNA splicing suggest that this variant may disrupt the consensus splice site. In summary, the available evidence is currently insufficient to determine the role of this variant in disease. Therefore, it has been classified as a Variant of Uncertain Significance.

NM_003238.6(TGFB2):c.792G>T (p.Gln264His)

Gene: TGFB2 (transforming growth factor beta 2; plus strand). Cytogenetic location: 1q41.
Variant type: single nucleotide variant.
Coding change: c.792G>T on transcript NM_003238.6 (MANE Select); coding-DNA position 792, G replaced by T.
Protein change: p.Gln264His; replaces glutamine 264 with histidine.
Molecular consequence: missense variant.
Genome position (GRCh38, 1-based): chr1:218,436,007, G>T. VCF-style: chr1-218436007-G-T. GRCh37 (hg19) VCF-style: chr1-218609349-G-T.
Other names: c.876G>T, p.Gln292His (NM_001135599.4); short protein forms Q292H, Q264H.
Identifiers: ClinVar variation 2100824 (VCV002100824.4), dbSNP rs2102628465, ClinGen allele CA344727070.